The following is an entry in ClinVar:

NM_000073.3(CD3G):c.214T>A (p.Trp72Arg)

Genes: CD3G (CD3 gamma subunit of T-cell receptor complex; plus strand), LOC126861358 (BRD4-independent group 4 enhancer GRCh37_chr11:118220212-118221411; plus strand). Cytogenetic location: 11q23.3.
Variant type: single nucleotide variant.
Coding change: c.214T>A on transcript NM_000073.3 (MANE Select); coding-DNA position 214, T replaced by A.
Protein change: p.Trp72Arg; replaces tryptophan 72 with arginine.
Molecular consequence: missense variant.
Genome position (GRCh38, 1-based): chr11:118,349,877, T>A. VCF-style: chr11-118349877-T-A. GRCh37 (hg19) VCF-style: chr11-118220592-T-A.
Other names: short protein forms W72R.
Identifiers: ClinVar variation 1911451 (VCV001911451.3), dbSNP rs1169220578, ClinGen allele CA382792614.

ClinVar aggregate classification (germline): Uncertain significance (1 of 4 stars; one submission).

Conditions:
Combined immunodeficiency due to CD3gamma deficiency. Also called: CD3-GAMMA DEFICIENCY; SCID-LIKE IMMUNODEFICIENCY, T CELL-PARTIAL, B CELL-POSITIVE, NK CELL-POSITIVE; Immunodeficiency 17; Immunodeficiency 17, CD3 gamma deficient. Identifiers: Orphanet 169082, MedGen C3810107, MONDO:0014276, OMIM 615607.

Allele frequency attached by ClinVar (database versions not stated): gnomAD exomes below 0.00001.
gnomAD v4.1: 5 of 1,613,764 alleles (0.00031%); highest among the groups gnomAD compares: Admixed American, 0.0017%; no homozygotes.

Submission:

Labcorp Genetics (formerly Invitae), Labcorp
Classification: Uncertain significance for Combined immunodeficiency due to CD3gamma deficiency. Last evaluated: 2022-02-05. Review status: criteria provided, single submitter. Criteria: Invitae Variant Classification Sherloc (09022015). Collection method: clinical testing. Allele origin: germline.
Comment: In summary, the available evidence is currently insufficient to determine the role of this variant in disease. Therefore, it has been classified as a Variant of Uncertain Significance. Algorithms developed to predict the effect of missense changes on protein structure and function are either unavailable or do not agree on the potential impact of this missense change (SIFT: "Deleterious"; PolyPhen-2: "Benign"; Align-GVGD: "Class C0"). This variant has not been reported in the literature in individuals affected with CD3G-related conditions. This variant is present in population databases (no rsID available, gnomAD 0.003%). This sequence change replaces tryptophan, which is neutral and slightly polar, with arginine, which is basic and polar, at codon 72 of the CD3G protein (p.Trp72Arg).